The following is an entry in ClinVar:

NM_032043.3(BRIP1):c.2564G>A (p.Arg855His)

Gene: BRIP1 (BRCA1 interacting DNA helicase 1; minus strand). Cytogenetic location: 17q23.2.
Variant type: single nucleotide variant.
Coding change: c.2564G>A on transcript NM_032043.3 (MANE Select); coding-DNA position 2564, G replaced by A.
Protein change: p.Arg855His; replaces arginine 855 with histidine.
Molecular consequence: missense variant.
Genome position (GRCh38, 1-based): chr17:61,693,441, C>T on the plus strand (G>A on the coding strand, the complement: BRIP1 is on the minus strand). VCF-style: chr17-61693441-C-T. GRCh37 (hg19) VCF-style: chr17-59770802-C-T.
Other names: p.R855H:CGC>CAC; short protein forms R855H.
Identifiers: ClinVar variation 128175 (VCV000128175.49), dbSNP rs200894063, ClinGen allele CA270849.

ClinVar aggregate classification (germline): Uncertain significance. Review status: criteria provided, multiple submitters, no conflicts (2 of 4 stars). 17 submissions from 17 submitters: Uncertain significance (14). 3 of the submissions do not count toward it. Last evaluated 2026-02-02.

Conditions:
Fanconi anemia complementation group J. Also called: BRIP1-Related Fanconi Anemia. Identifiers: Orphanet 84, MedGen C1836860, MONDO:0012187, OMIM 609054.
Ovarian cancer. Also called: OVARIAN CANCER, SOMATIC. Identifiers: Orphanet 213500, MedGen C1140680, MONDO:0008170, OMIM 167000.
BRIP1-related disorder. Also called: BRIP1-related condition; BRIP1-related disorders. Identifiers: MedGen CN239206.
Familial cancer of breast. Also called: BREAST CANCER, FAMILIAL; Hereditary breast cancer; hereditary breast carcinoma. Identifiers: Orphanet 227535, MedGen C0346153, MONDO:0016419, OMIM 114480. Disease mechanism: loss of function.
Hereditary cancer-predisposing syndrome. Also called: Tumor predisposition; Hereditary Cancer Syndrome; Neoplastic Syndromes, Hereditary; Hereditary neoplastic syndrome. Identifiers: Orphanet 140162, MedGen C0027672, MeSH D009386, MONDO:0015356.
Hereditary breast ovarian cancer syndrome. Also called: Hereditary breast and ovarian cancer; Hereditary breast and/or ovarian cancer syndrome; BRCA1- and BRCA2-Associated Hereditary Breast and Ovarian Cancer; Hereditary breast and ovarian cancer syndrome; Hereditary breast and ovarian cancer syndrome (HBOC); Breast and ovarian cancer. Identifiers: Orphanet 145, MedGen C0677776, MeSH D061325, MONDO:0003582. Disease mechanism: loss of function.

Allele frequency attached by ClinVar (database versions not stated): gnomAD 0.00011 and 0.00012; TOPMed 0.00019.
gnomAD v4.1: 51 of 1,612,848 alleles (0.0032%); highest among the groups gnomAD compares: African/African-American, 0.028%; no homozygotes.

Submissions 1 to 10 of 17:

Labcorp Genetics (formerly Invitae), Labcorp
Classification: Uncertain significance for Familial cancer of breast; Fanconi anemia complementation group J. Last evaluated: 2026-02-02. Review status: criteria provided, single submitter. Criteria: Invitae Variant Classification Sherloc (09022015). Collection method: clinical testing. Allele origin: germline.
Comment: This sequence change replaces arginine, which is basic and polar, with histidine, which is basic and polar, at codon 855 of the BRIP1 protein (p.Arg855His). This variant is present in population databases (rs200894063, gnomAD 0.03%). This missense change has been observed in individual(s) with a Lynch syndrome-associated cancer and/or colorectal polyps and breast cancer (PMID: 25980754, 26921362, 31206626, 35534704). ClinVar contains an entry for this variant (Variation ID: 128175). Invitae Evidence Modeling of protein sequence and biophysical properties (such as structural, functional, and spatial information, amino acid conservation, physicochemical variation, residue mobility, and thermodynamic stability) indicates that this missense variant is not expected to disrupt BRIP1 protein function with a negative predictive value of 95%. In summary, the available evidence is currently insufficient to determine the role of this variant in disease. Therefore, it has been classified as a Variant of Uncertain Significance.

Color Diagnostics, LLC DBA Color Health
Classification: Uncertain significance for Hereditary cancer-predisposing syndrome. Last evaluated: 2025-11-06. Review status: criteria provided, single submitter. Criteria: ACMG Guidelines, 2015. Collection method: clinical testing. Allele origin: germline.
Comment: This missense variant replaces arginine with histidine at codon 855 of the BRIP1 protein. Computational prediction is inconclusive regarding the impact of this variant on protein structure and function. To our knowledge, functional studies have not been reported for this variant. This variant has been reported in individuals affected with breast cancer, ovarian cancer, and Lynch syndrome-associated cancer and/or polyps (PMID: 25980754, 26921362, 31822495, 33471991, 35534704, 37088804). This variant has been identified in 20/282682 chromosomes in the general population by the Genome Aggregation Database (gnomAD). The available evidence is insufficient to determine the role of this variant in disease conclusively. Therefore, this variant is classified as a Variant of Uncertain Significance.

Women's Health and Genetics/Laboratory Corporation of America, LabCorp
Classification: Uncertain significance. Last evaluated: 2025-11-04. Review status: criteria provided, single submitter. Criteria: LabCorp Variant Classification Summary - May 2015. Collection method: clinical testing. Allele origin: germline.
Comment: Variant summary: BRIP1 c.2564G>A (p.Arg855His) results in a non-conservative amino acid change located in the ATP-dependent helicase, C-terminal (IPR006555) of the encoded protein sequence. Algorithms developed to predict the effect of missense changes on protein structure and function are either unavailable or do not agree on the potential impact of this missense change. The variant allele was found at a frequency of 6.3e-05 in 268654 control chromosomes. The observed variant frequency exceeds the estimated maximal expected allele frequency for disease-causing variants in BRIP1. The variant, c.2564G>A, has been reported in the literature in individuals affected with Lynch syndrome, pancreatic, breast, and colon cancer (Yurgelun_2015, Dudley_2018, Easton_2016, Schubert_2019, Weitzel_2020, de Oliveira_2022) but also in healthy controls (Ramus_2015). These report(s) do not provide unequivocal conclusions about association of the variant with Hereditary Breast And Ovarian Cancer Syndrome. To our knowledge, no experimental evidence demonstrating an impact on protein function has been reported. The following publications have been ascertained in the context of this evaluation (PMID: 25980754, 26315354, 29360161, 30426508, 26921362, 31206626, 35534704). ClinVar contains an entry for this variant (Variation ID: 128175). Based on the evidence outlined above, the variant was classified as VUS-possibly benign.

German Consortium for Hereditary Breast and Ovarian Cancer, University Hospital Cologne
Classification: Uncertain significance for Hereditary breast ovarian cancer syndrome. Last evaluated: 2025-08-13. Review status: criteria provided, single submitter. Criteria: ACMG Guidelines, 2015. Collection method: curation. Allele origin: germline.
Comment: This classification follows the ACMG SVI adaptation classification scheme; We chose this criterion: BS2 (supporting benign): Homozygous in a patient without FA

Ambry Genetics
Classification: Uncertain significance for Hereditary cancer-predisposing syndrome. Last evaluated: 2025-04-25. Review status: criteria provided, single submitter. Criteria: Ambry Variant Classification Scheme 2023. Collection method: clinical testing. Allele origin: germline.
Comment: The p.R855H variant (also known as c.2564G>A), located in coding exon 17 of the BRIP1 gene, results from a G to A substitution at nucleotide position 2564. The arginine at codon 855 is replaced by histidine, an amino acid with highly similar properties. This variant has been observed in multiple breast and ovarian cancer cohorts (Ramus SJ et al. J Natl Cancer Inst, 2015 Nov;107; Easton DF et al. J Med Genet, 2016 May;53:298-309; Weitzel JN et al. Cancer, 2019 Aug;125:2829-2836; Dorling et al. N Engl J Med 2021 02;384:428-439; de Oliveira JM et al. Eur J Hum Genet, 2022 Jul;30:818-823), but has also been reported in healthy control subjects (Dorling et al. N Engl J Med 2021 02;384:428-439). This amino acid position is well conserved in available vertebrate species. In addition, the in silico prediction for this alteration is inconclusive. Based on the available evidence, the clinical significance of this variant remains unclear.

Center for Genomic Medicine, Rigshospitalet, Copenhagen University Hospital
Classification: Uncertain significance. Last evaluated: 2025-03-04. Review status: criteria provided, single submitter. Criteria: ACMG Guidelines, 2015. Collection method: clinical testing. Allele origin: germline.

Quest Diagnostics Nichols Institute San Juan Capistrano
Classification: Uncertain significance. Last evaluated: 2024-07-02. Review status: criteria provided, single submitter. Criteria: Quest Diagnostics criteria. Collection method: clinical testing. Allele origin: unknown.
Comment: The BRIP1 c.2564G>A (p.Arg855His) variant has been reported in the published literature in individuals with Lynch syndrome (PMID: 25980754 (2015)), breast cancer (PMIDs: 35534704 (2022), 31822495 (2020), 31206626 (2019), 30426508 (2018), 26921362 (2016)), pancreatic and colon cancer (PMID: 29360161 (2018)), and in reportedly healthy individuals (PMID: 31206626 (2019), 26315354 (2015)). The frequency of this variant in the general population, 0.00032 (8/24962 chromosomes (Genome Aggregation Database)), is uninformative in the assessment of its pathogenicity. Analysis of this variant using bioinformatics tools for the prediction of the effect of amino acid changes on protein structure and function yielded conflicting predictions that this variant is benign or damaging. Based on the available information, we are unable to determine the clinical significance of this variant.

Baylor Genetics
Classification: Uncertain significance for Familial cancer of breast. Last evaluated: 2024-02-27. Review status: criteria provided, single submitter. Criteria: ACMG Guidelines, 2015. Collection method: clinical testing. Allele origin: unknown.

GeneDx
Classification: Uncertain significance. Last evaluated: 2024-01-09. Review status: criteria provided, single submitter. Criteria: GeneDx Variant Classification Process June 2021. Collection method: clinical testing. Allele origin: germline. Affected: yes.
Comment: Observed in individuals with breast cancer, ovarian cancer or Lynch syndrome-associated cancer and/or polyps, but also in healthy controls (PMID: 26315354, 25980754, 26921362, 31206626, 33471991, 35534704); In silico analysis supports that this missense variant has a deleterious effect on protein structure/function; This variant is associated with the following publications: (PMID: 26921362, 26315354, 25980754, 33471991, 31206626, 35534704)

Fulgent Genetics
Classification: Uncertain significance for Familial cancer of breast; Fanconi anemia complementation group J. Last evaluated: 2023-12-30. Review status: criteria provided, single submitter. Criteria: ACMG Guidelines, 2015. Collection method: clinical testing. Allele origin: germline.